The following is an entry in ClinVar:

ClinVar aggregate classification (germline): Uncertain significance (1 of 4 stars; one submission).

Conditions:
Hereditary cancer-predisposing syndrome. Also called: Neoplastic Syndromes, Hereditary; Tumor predisposition; Hereditary neoplastic syndrome; Hereditary Cancer Syndrome. Identifiers: Orphanet 140162, MedGen C0027672, MeSH D009386, MONDO:0015356.

gnomAD v4.1: 15 of 1,613,976 alleles (0.00093%); highest among the groups gnomAD compares: African/African-American, 0.0027%; no homozygotes.

Submission:

Ambry Genetics
Classification: Uncertain significance for Hereditary cancer-predisposing syndrome. Last evaluated: 2026-07-06. Review status: criteria provided, single submitter. Criteria: Ambry Variant Classification Scheme 2023. Collection method: clinical testing. Allele origin: germline.
Comment: The p.Y86C variant (also known as c.257A>G), located in coding exon 4 of the MAX gene, results from an A to G substitution at nucleotide position 257. The tyrosine at codon 86 is replaced by cysteine, an amino acid with highly dissimilar properties. This amino acid position is conserved. In addition, this alteration is predicted to be tolerated by in silico analysis. Based on the available evidence, the clinical significance of this variant remains unclear.

NM_002382.5(MAX):c.172-6178A>G

Gene: MAX (MYC associated transcriptional regulator X; minus strand). Cytogenetic location: 14q23.3.
Variant type: single nucleotide variant.
Coding change: c.172-6178A>G on transcript NM_002382.5 (MANE Select); 6178 bases into the intron before coding-DNA position 172, A replaced by G.
Molecular consequence: intron variant. On other transcripts: missense variant (3), non-coding transcript variant (4), 3 prime UTR variant (1).
Genome position (GRCh38, 1-based): chr14:65,084,214, T>C on the plus strand (A>G on the coding strand, the complement: MAX is on the minus strand). VCF-style: chr14-65084214-T-C. GRCh37 (hg19) VCF-style: chr14-65550932-T-C.
Other names: c.257A>G, p.Tyr86Cys (NM_145114.3); c.144+9494A>G (NM_001271069.2); c.171+9494A>G (NM_197957.4); c.-196-6178A>G (NM_001407112.1, NM_001407111.1); c.-103-6178A>G (NM_001407106.1, NM_001407107.1, NM_001407105.1 and 1 more transcripts); c.145-6178A>G (NM_001407095.1, NM_001407110.1, NM_001407102.1 and 6 more transcripts); c.230A>G, p.Tyr77Cys (NM_001271068.2, NM_001407113.1); c.*31A>G (NM_001407114.1); and 2 more; short protein forms Y77C, Y86C.
Identifiers: ClinVar variation 5023966 (VCV005023966.1).
Genomic context (GRCh38, chr14:65,084,214, plus strand): 5'-GTGTAAGGGGTCAAAACAATCATTTTTTAAATCTTGCATTCTTTTTTCTTGTGCACTTGG[T>C]AGCTTGAAATGAAGGTGTGGCATTTCTGCATCAAACTTTGACGATGAAGGACAGGAGTAC-3'